The following is an entry in ClinVar:

ClinVar aggregate classification (germline): Conflicting classifications of pathogenicity. Review status: criteria provided, conflicting classifications (1 of 4 stars). 5 submissions from 5 submitters: Uncertain significance (4); Benign (1). Last evaluated 2025-07-04.

Conditions:
Inborn genetic diseases. Identifiers: MedGen C0950123, MeSH D030342.
Nemaline myopathy 2 (NEM2). Also called: Nemaline myopathy 2, autosomal recessive. Identifiers: MedGen C1850569, MONDO:0009725, OMIM 256030.

Allele frequency attached by ClinVar (database versions not stated): gnomAD 0.00002 and 0.00005; TOPMed 0.00002; gnomAD exomes 0.00004 and 0.00009; ExAC 0.00010; 1000 Genomes Project 30x 0.00031; 1000 Genomes Project 0.00040.
gnomAD v4.1: 71 of 1,609,264 alleles (0.0044%); highest among the groups gnomAD compares: South Asian, 0.059%; 1 homozygote.

Submissions (5):

Labcorp Genetics (formerly Invitae), Labcorp
Classification: Benign for Nemaline myopathy 2. Last evaluated: 2025-07-04. Review status: criteria provided, single submitter. Criteria: Invitae Variant Classification Sherloc (09022015). Collection method: clinical testing. Allele origin: germline.

Ambry Genetics
Classification: Uncertain significance for Inborn genetic diseases. Last evaluated: 2024-01-23. Review status: criteria provided, single submitter. Criteria: Ambry Variant Classification Scheme 2023. Collection method: clinical testing. Allele origin: germline.

Mayo Clinic Laboratories, Mayo Clinic
Classification: Uncertain significance. Last evaluated: 2023-12-29. Review status: criteria provided, single submitter. Criteria: ACMG Guidelines, 2015. Collection method: clinical testing. Allele origin: germline. Observed: 1 variant allele.
Comment: BP4

Revvity Omics, Revvity
Classification: Uncertain significance. Last evaluated: 2020-07-14. Review status: criteria provided, single submitter. Criteria: ACMG Guidelines, 2015. Collection method: clinical testing. Allele origin: germline.

Illumina Laboratory Services, Illumina
Classification: Uncertain significance for Nemaline myopathy 2. Last evaluated: 2018-01-13. Review status: criteria provided, single submitter. Criteria: ICSL Variant Classification Criteria 13 December 2019. Collection method: clinical testing. Allele origin: germline.

NM_001164508.2(NEB):c.25171C>T (p.Arg8391Trp)

Genes: NEB (nebulin; minus strand), RIF1 (replication timing regulatory factor 1; plus strand). Cytogenetic location: 2q23.3.
Variant type: single nucleotide variant.
Coding change: c.25171C>T on transcript NM_001164508.2 (MANE Select); coding-DNA position 25171, C replaced by T.
Protein change: p.Arg8391Trp; replaces arginine 8391 with tryptophan.
Molecular consequence: missense variant.
Genome position (GRCh38, 1-based): chr2:151,490,498, G>A on the plus strand (C>T on the coding strand, the complement: NEB is on the minus strand). VCF-style: chr2-151490498-G-A. GRCh37 (hg19) VCF-style: chr2-152347012-G-A.
Other names: p.Arg8426Trp; c.25171C>T, p.Arg8391Trp (NM_001164507.2); c.25276C>T, p.Arg8426Trp (NM_001271208.2); c.19603C>T, p.Arg6535Trp (NM_004543.5); short protein forms R6535W, R8391W, R8426W.
Identifiers: ClinVar variation 893783 (VCV000893783.12), dbSNP rs561904743, ClinGen allele CA1905788.
Genomic context (GRCh38, chr2:151,490,498, plus strand): 5'-GCTCAGACTTCTCCTCACCCCCACTGATGCTTAGTGCACTGGCAGATCGTGACTGCTCCC[G>A]GCTCCGGCGCTGAGCTTGGACTGGGAGAGATGCAGTTGGGGGAGATGTAGCAAACATGAA-3'
Protein context (NP_001157980.2, residues 8381-8401): MINVQAQRRS[Arg8391Trp]EQSRSASALS